The following is an entry in ClinVar:

NM_032242.4(PLXNA1):c.1306G>A (p.Ala436Thr)

Gene: PLXNA1 (plexin A1; plus strand). Cytogenetic location: 3q21.3.
Variant type: single nucleotide variant.
Coding change: c.1306G>A on transcript NM_032242.4 (MANE Select); coding-DNA position 1306, G replaced by A.
Protein change: p.Ala436Thr; replaces alanine 436 with threonine.
Molecular consequence: missense variant.
Genome position (GRCh38, 1-based): chr3:126,991,495, G>A. VCF-style: chr3-126991495-G-A. GRCh37 (hg19) VCF-style: chr3-126710338-G-A.
Other names: short protein forms A436T.
Identifiers: ClinVar variation 3307884 (VCV003307884.2).

ClinVar aggregate classification (germline): Uncertain significance. Review status: criteria provided, multiple submitters, no conflicts (2 of 4 stars). 2 submissions from 2 submitters: Uncertain significance (2). Last evaluated 2026-03-02.

Conditions:
PLXNA1-related disorder. Also called: PLXNA1-related condition.

gnomAD v4.1: 39 of 1,612,244 alleles (0.0024%); highest among the groups gnomAD compares: South Asian, 0.018%; no homozygotes.

Submissions (2):

PreventionGenetics, part of Exact Sciences
Classification: Uncertain significance for PLXNA1-related condition. Last evaluated: 2026-03-02. Review status: criteria provided, single submitter. Criteria: ACMG Guidelines, 2015. Collection method: clinical testing. Allele origin: germline.
Comment: The PLXNA1 c.1306G>A variant is predicted to result in the amino acid substitution p.Ala436Thr. To our knowledge, this variant has not been reported in the literature. This variant is reported in 0.016% of alleles in individuals of South Asian descent in gnomAD. At this time, the clinical significance of this variant is uncertain due to the absence of conclusive functional and genetic evidence.

Ambry Genetics
Classification: Uncertain significance. Last evaluated: 2024-06-07. Review status: criteria provided, single submitter. Criteria: Ambry Variant Classification Scheme 2023. Collection method: clinical testing. Allele origin: germline.